The following is an entry in ClinVar:

NM_004183.4(BEST1):c.1010A>G (p.Tyr337Cys)

Gene: BEST1 (bestrophin 1; plus strand). Cytogenetic location: 11q12.3.
Variant type: single nucleotide variant.
Coding change: c.1010A>G on transcript NM_004183.4 (MANE Select); coding-DNA position 1010, A replaced by G.
Protein change: p.Tyr337Cys; replaces tyrosine 337 with cysteine.
Molecular consequence: missense variant. On other transcripts: non-coding transcript variant (1).
Genome position (GRCh38, 1-based): chr11:61,959,953, A>G. VCF-style: chr11-61959953-A-G. GRCh37 (hg19) VCF-style: chr11-61727425-A-G.
Other names: c.830A>G, p.Tyr277Cys (NM_001139443.3, NM_001300787.2); c.749A>G, p.Tyr250Cys (NM_001300786.2); c.692A>G, p.Tyr231Cys (NM_001363591.3); c.1213A>G, p.Thr405Ala (NM_001363592.2); c.38A>G, p.Tyr13Cys (NM_001363593.3); short protein forms T405A, Y13C, Y231C, Y250C, Y277C, Y337C.
Identifiers: ClinVar variation 3613680 (VCV003613680.2).

ClinVar aggregate classification (germline): Uncertain significance (1 of 4 stars; one submission).

gnomAD v4.1: 2 of 1,613,026 alleles (0.00012%); highest among the groups gnomAD compares: Non-Finnish European, 0.00017%; no homozygotes.

Submission:

Labcorp Genetics (formerly Invitae), Labcorp
Classification: Uncertain significance. Last evaluated: 2025-08-25. Review status: criteria provided, single submitter. Criteria: Invitae Variant Classification Sherloc (09022015). Collection method: clinical testing. Allele origin: germline.
Comment: This sequence change replaces tyrosine, which is neutral and polar, with cysteine, which is neutral and slightly polar, at codon 337 of the BEST1 protein (p.Tyr337Cys). This variant is not present in population databases (gnomAD no frequency). This missense change has been observed in individual(s) with best vitelliform macular dystrophy (PMID: 32239196). ClinVar contains an entry for this variant (Variation ID: 3613680). Invitae Evidence Modeling of protein sequence and biophysical properties (such as structural, functional, and spatial information, amino acid conservation, physicochemical variation, residue mobility, and thermodynamic stability) indicates that this missense variant is expected to disrupt BEST1 protein function with a positive predictive value of 95%. In summary, the available evidence is currently insufficient to determine the role of this variant in disease. Therefore, it has been classified as a Variant of Uncertain Significance.

Literature cited by the submitters: PubMed 32239196.